The following is an entry in ClinVar:

NM_003384.3(VRK1):c.758A>G (p.Gln253Arg)

Gene: VRK1 (VRK serine/threonine kinase 1; plus strand). Cytogenetic location: 14q32.2.
Variant type: single nucleotide variant.
Coding change: c.758A>G on transcript NM_003384.3 (MANE Select); coding-DNA position 758, A replaced by G.
Protein change: p.Gln253Arg; replaces glutamine 253 with arginine.
Molecular consequence: missense variant.
Genome position (GRCh38, 1-based): chr14:96,856,178, A>G. VCF-style: chr14-96856178-A-G. GRCh37 (hg19) VCF-style: chr14-97322515-A-G.
Other names: short protein forms Q253R.
Identifiers: ClinVar variation 1360590 (VCV001360590.9), dbSNP rs768822328, ClinGen allele CA7339076.
Genomic context (GRCh38, chr14:96,856,178, plus strand): 5'-TTGCATTTGTAGCCCCATCAAGACGTGGTGATTTGGAAATACTTGGTTATTGCATGATCC[A>G]ATGGCTTACTGGCCATCTTCCTTGGGAGGATAATTTGAAAGATCCTAAATATGTTAGAGA-3'
Protein context (NP_003375.1, residues 243-263): DLEILGYCMI[Gln253Arg]WLTGHLPWED

ClinVar aggregate classification (germline): Uncertain significance (1 of 4 stars; one submission).

Conditions:
Pontocerebellar hypoplasia type 1A (PCH1A). Also called: PONTOCEREBELLAR HYPOPLASIA WITH ANTERIOR HORN CELL DISEASE; PONTOCEREBELLAR HYPOPLASIA WITH INFANTILE SPINAL MUSCULAR ATROPHY. Identifiers: Orphanet 2254, Orphanet 88616, MedGen C1843504, MONDO:0011866, OMIM 607596.

Allele frequency attached by ClinVar (database versions not stated): gnomAD exomes below 0.00001; ExAC 0.00001.
gnomAD v4.1: 1 of 1,613,800 alleles (0.000062%); highest among the groups gnomAD compares: South Asian, 0.0011%; no homozygotes.

Submission:

Labcorp Genetics (formerly Invitae), Labcorp
Classification: Uncertain significance for Pontocerebellar hypoplasia type 1A. Last evaluated: 2022-07-19. Review status: criteria provided, single submitter. Criteria: Invitae Variant Classification Sherloc (09022015). Collection method: clinical testing. Allele origin: germline.
Comment: Algorithms developed to predict the effect of missense changes on protein structure and function (SIFT, PolyPhen-2, Align-GVGD) all suggest that this variant is likely to be tolerated. In summary, the available evidence is currently insufficient to determine the role of this variant in disease. Therefore, it has been classified as a Variant of Uncertain Significance. ClinVar contains an entry for this variant (Variation ID: 1360590). This variant has not been reported in the literature in individuals affected with VRK1-related conditions. This variant is present in population databases (rs768822328, gnomAD 0.003%). This sequence change replaces glutamine, which is neutral and polar, with arginine, which is basic and polar, at codon 253 of the VRK1 protein (p.Gln253Arg).